The following is an entry in ClinVar:

ClinVar aggregate classification (germline): Uncertain significance (1 of 4 stars; one submission).

Submission:

GeneDx
Classification: Uncertain significance. Last evaluated: 2024-03-05. Review status: criteria provided, single submitter. Criteria: GeneDx Variant Classification Process June 2021. Collection method: clinical testing. Allele origin: germline. Affected: yes.
Comment: Not observed at significant frequency in large population cohorts (gnomAD); In silico analysis supports that this missense variant has a deleterious effect on protein structure/function; Has not been previously published as pathogenic or benign to our knowledge

NM_001348716.2(KDM6B):c.3612C>G (p.Phe1204Leu)

Gene: KDM6B (lysine demethylase 6B; plus strand). Cytogenetic location: 17p13.1.
Variant type: single nucleotide variant.
Coding change: c.3612C>G on transcript NM_001348716.2 (MANE Select); coding-DNA position 3612, C replaced by G.
Protein change: p.Phe1204Leu; replaces phenylalanine 1204 with leucine.
Molecular consequence: missense variant.
Genome position (GRCh38, 1-based): chr17:7,850,116, C>G. VCF-style: chr17-7850116-C-G. GRCh37 (hg19) VCF-style: chr17-7753434-C-G.
Other names: c.3612C>G, p.Phe1204Leu (NM_001080424.2); short protein forms F1204L.
Identifiers: ClinVar variation 3370541 (VCV003370541.1).